The following is an entry in ClinVar:

ClinVar aggregate classification (germline): Uncertain significance (1 of 4 stars; one submission).

Conditions:
Catecholaminergic polymorphic ventricular tachycardia 1. Also called: RYR2-Related Catecholaminergic Polymorphic Ventricular Tachycardia; VENTRICULAR TACHYCARDIA, CATECHOLAMINERGIC POLYMORPHIC, 1, WITH OR WITHOUT ATRIAL DYSFUNCTION AND/OR DILATED CARDIOMYOPATHY; VENTRICULAR TACHYCARDIA, STRESS-INDUCED POLYMORPHIC 1. Identifiers: Orphanet 3286, MedGen C1631597, MONDO:0011484, OMIM 604772.

Allele frequency attached by ClinVar (database versions not stated): gnomAD exomes below 0.00001.
gnomAD v4.1: 1 of 1,607,992 alleles (0.000062%); highest among the groups gnomAD compares: Non-Finnish European, 0.000085%; no homozygotes.

Submission:

Labcorp Genetics (formerly Invitae), Labcorp
Classification: Uncertain significance for Catecholaminergic polymorphic ventricular tachycardia 1. Last evaluated: 2021-08-31. Review status: criteria provided, single submitter. Criteria: Invitae Variant Classification Sherloc (09022015). Collection method: clinical testing. Allele origin: germline.
Comment: This sequence change replaces tyrosine with cysteine at codon 2974 of the RYR2 protein (p.Tyr2974Cys). The tyrosine residue is highly conserved and there is a large physicochemical difference between tyrosine and cysteine. This variant is not present in population databases (ExAC no frequency). This variant has not been reported in the literature in individuals affected with RYR2-related conditions. Algorithms developed to predict the effect of missense changes on protein structure and function (SIFT, PolyPhen-2, Align-GVGD) all suggest that this variant is likely to be disruptive. In summary, the available evidence is currently insufficient to determine the role of this variant in disease. Therefore, it has been classified as a Variant of Uncertain Significance.

NM_001035.3(RYR2):c.8921A>G (p.Tyr2974Cys)

Gene: RYR2 (ryanodine receptor 2; plus strand). Cytogenetic location: 1q43.
Variant type: single nucleotide variant.
Coding change: c.8921A>G on transcript NM_001035.3 (MANE Select); coding-DNA position 8921, A replaced by G.
Protein change: p.Tyr2974Cys; replaces tyrosine 2974 with cysteine.
Molecular consequence: missense variant.
Genome position (GRCh38, 1-based): chr1:237,680,481, A>G. VCF-style: chr1-237680481-A-G. GRCh37 (hg19) VCF-style: chr1-237843781-A-G.
Other names: short protein forms Y2974C.
Identifiers: ClinVar variation 1022230 (VCV001022230.45), dbSNP rs1685778254, ClinGen allele CA345404325.